The following is an entry in ClinVar:

ClinVar aggregate classification (germline): Conflicting classifications of pathogenicity. Review status: criteria provided, conflicting classifications (1 of 4 stars). 2 submissions from 2 submitters: Uncertain significance (1); Likely benign (1). Last evaluated 2026-02-01.

Allele frequency attached by ClinVar (database versions not stated): gnomAD exomes below 0.00001.
gnomAD v4.1: 2 of 1,613,834 alleles (0.00012%); highest among the groups gnomAD compares: Non-Finnish European, 0.00017%; no homozygotes.

Submissions (2):

CeGaT Center for Human Genetics Tuebingen
Classification: Uncertain significance. Last evaluated: 2026-02-01. Review status: criteria provided, single submitter. Criteria: CeGaT Center For Human Genetics Tuebingen Variant Classification Criteria Version 2. Collection method: clinical testing. Allele origin: germline. Affected: yes. Observed: 1 variant allele.
Comment: SLC4A11: PM2, BP4

Labcorp Genetics (formerly Invitae), Labcorp
Classification: Likely benign. Last evaluated: 2023-11-01. Review status: criteria provided, single submitter. Criteria: Invitae Variant Classification Sherloc (09022015). Collection method: clinical testing. Allele origin: germline.

NM_001174089.2(SLC4A11):c.1490-5C>T

Gene: SLC4A11 (solute carrier family 4 member 11; minus strand). Cytogenetic location: 20p13.
Variant type: single nucleotide variant.
Coding change: c.1490-5C>T on transcript NM_001174089.2 (MANE Select); 5 bases into the intron before coding-DNA position 1490, C replaced by T.
Molecular consequence: intron variant.
Genome position (GRCh38, 1-based): chr20:3,229,781, G>A on the plus strand (C>T on the coding strand, the complement: SLC4A11 is on the minus strand). VCF-style: chr20-3229781-G-A. GRCh37 (hg19) VCF-style: chr20-3210427-G-A.
Other names: c.1433-5C>T (NM_001400277.1, NM_001400278.1, NM_001400279.1); c.1376-5C>T (NM_001363745.2); c.1505-5C>T (NM_001400280.1); c.1619-5C>T (NM_001174090.2); c.1538-5C>T (NM_032034.4).
Identifiers: ClinVar variation 3011634 (VCV003011634.7), dbSNP rs2514539603, ClinGen allele CA2651701173.